The following is an entry in ClinVar:

ClinVar aggregate classification (germline): Likely benign. Review status: criteria provided, multiple submitters, no conflicts (2 of 4 stars). 3 submissions from 3 submitters: Likely benign (2). 1 of the submissions does not count toward it. Last evaluated 2025-04-30.

Conditions:
COL4A1-related disorder. Also called: COL4A1-related disorders; COL4A1-related condition. Identifiers: MedGen CN376119, MONDO:0800461.

Allele frequency attached by ClinVar (database versions not stated): gnomAD exomes below 0.00001 and 0.00001; ExAC 0.00001; gnomAD 0.00001; TOPMed 0.00001.
gnomAD v4.1: 7 of 1,613,700 alleles (0.00043%); highest among the groups gnomAD compares: Admixed American, 0.0017%; no homozygotes.

Submissions (3):

Women's Health and Genetics/Laboratory Corporation of America, LabCorp
Classification: Likely benign. Last evaluated: 2025-04-30. Review status: criteria provided, single submitter. Criteria: LabCorp Variant Classification Summary - May 2015. Collection method: clinical testing. Allele origin: germline.
Comment: Variant summary: COL4A1 c.1990+7T>C alters a non-conserved nucleotide located at a position not widely known to affect splicing. Consensus agreement among computation tools predicts no significant impact on normal splicing. However, these predictions have yet to be confirmed by functional studies. The variant allele was found at a frequency of 4.4e-06 in 1606704 control chromosomes in the gnomAD database (v4.1 dataset). The available data on variant occurrences in the general population are insufficient to allow any conclusion about variant significance. To our knowledge, no occurrence of c.1990+7T>C in individuals affected with Porencephaly 1 and no experimental evidence demonstrating its impact on protein function have been reported. ClinVar contains an entry for this variant (Variation ID: 1640154). Based on the evidence outlined above, the variant was classified as likely benign.

Labcorp Genetics (formerly Invitae), Labcorp
Classification: Likely benign. Last evaluated: 2022-05-27. Review status: criteria provided, single submitter. Criteria: Invitae Variant Classification Sherloc (09022015). Collection method: clinical testing. Allele origin: germline.

PreventionGenetics, part of Exact Sciences
Classification: Likely benign for COL4A1-related condition. Last evaluated: 2022-10-21. Review status: no assertion criteria provided. Collection method: clinical testing. Allele origin: germline. Not counted in ClinVar's aggregate classification.
Comment: This variant is classified as likely benign based on ACMG/AMP sequence variant interpretation guidelines (Richards et al. 2015 PMID: 25741868, with internal and published modifications).

NM_001845.6(COL4A1):c.1990+7T>C

Gene: COL4A1 (collagen type IV alpha 1 chain; minus strand). Cytogenetic location: 13q34.
Variant type: single nucleotide variant.
Coding change: c.1990+7T>C on transcript NM_001845.6 (MANE Select); 7 bases into the intron after coding-DNA position 1990, T replaced by C.
Molecular consequence: intron variant.
Genome position (GRCh38, 1-based): chr13:110,183,177, A>G on the plus strand (T>C on the coding strand, the complement: COL4A1 is on the minus strand). VCF-style: chr13-110183177-A-G. GRCh37 (hg19) VCF-style: chr13-110835524-A-G.
Other names: c.1990+7T>C (NM_001845.5).
Identifiers: ClinVar variation 1640154 (VCV001640154.13), dbSNP rs773725275, ClinGen allele CA7047763.